The following is an entry in ClinVar:

NM_001723.7(DST):c.5173_5180del (p.Leu1725fs)

Gene: DST (dystonin; minus strand). Cytogenetic location: 6p12.1.
Variant type: Deletion.
Coding change: c.5173_5180del on transcript NM_001723.7 (MANE Plus Clinical); coding-DNA positions 5173 to 5180, 8 bases deleted (TTAAAGAC; older notation c.5173_5180delTTAAAGAC).
Protein change: p.Leu1725fs; shifts the reading frame from leucine 1725.
Molecular consequence: frameshift variant. On other transcripts: intron variant (10).
Genome position (GRCh38, 1-based): chr6:56,618,854-56,618,861, GTCTTTAA deleted on the plus strand (TTAAAGAC on the coding strand, the reverse complement: DST is on the minus strand); deleting any 8 consecutive bases within chr6:56,618,854-56,618,863 gives the same sequence; the c. name uses the placement nearest the transcript's 3' end. VCF-style (leftmost placement, unchanged base first): chr6-56618853-GGTCTTTAA-G. GRCh37 (hg19) VCF-style: chr6-56483651-GGTCTTTAA-G.
Other names: c.4831-4377_4831-4370del (NM_001144769.5); c.4930-4377_4930-4370del (NM_001374722.1, NM_001374736.1); c.4957-4377_4957-4370del (NM_001374734.1); c.4417-4377_4417-4370del (NM_001144770.2); c.4297-4377_4297-4370del (NM_001374730.1, NM_001386100.1, NM_183380.4 and 1 more transcripts); c.3319-4377_3319-4370del (NM_015548.5); short protein forms L1725fs.
Identifiers: ClinVar variation 4787101 (VCV004787101.1).

ClinVar aggregate classification (germline): Pathogenic (1 of 4 stars; one submission).

Conditions:
Epidermolysis bullosa simplex 3, localized or generalized intermediate, with BP230 deficiency (EBS3). Also called: Epidermolysis bullosa simplex, autosomal recessive 2; Epidermolysis bullosa simplex due to BP230 deficiency. Identifiers: Orphanet 412181, MedGen C3809470, MONDO:0014180, OMIM 615425.
Hereditary sensory and autonomic neuropathy type 6. Also called: HSAN VI; Neuropathy, hereditary sensory and autonomic, type VI. Identifiers: Orphanet 314381, MedGen C3539003, MONDO:0013839, OMIM 614653.

Submission:

Labcorp Genetics (formerly Invitae), Labcorp
Classification: Pathogenic for Epidermolysis bullosa simplex 3, localized or generalized intermediate, with BP230 deficiency; Hereditary sensory and autonomic neuropathy type 6. Last evaluated: 2025-12-22. Review status: criteria provided, single submitter. Criteria: Invitae Variant Classification Sherloc (09022015). Collection method: clinical testing. Allele origin: germline.
Comment: This sequence change creates a premature translational stop signal (p.Leu1725Hisfs*19) in the DST gene. It is expected to result in an absent or disrupted protein product. Loss-of-function variants in DST are known to be pathogenic (PMID: 22522446, 25059916, 30371979). This variant is not present in population databases (gnomAD no frequency). This variant has not been reported in the literature in individuals affected with DST-related conditions. For these reasons, this variant has been classified as Pathogenic.

Literature cited by the submitters: PubMed 22522446; PubMed 25059916; PubMed 30371979.